The following is an entry in ClinVar:

ClinVar aggregate classification (germline): Pathogenic/Likely pathogenic. Review status: criteria provided, multiple submitters, no conflicts (2 of 4 stars). 9 submissions from 9 submitters: Pathogenic (4); Likely pathogenic (4). 1 of the submissions does not count toward it. Last evaluated 2025-12-11.

Conditions:
Breast-ovarian cancer, familial, susceptibility to, 1 (BROVCA1). Also called: BRCA1 Hereditary Breast and Ovarian Cancer; OVARIAN CANCER, SUSCEPTIBILITY TO. Identifiers: Orphanet 145, MedGen C2676676, MONDO:0011450, OMIM 604370. Disease mechanism: loss of function.
Hereditary cancer-predisposing syndrome. Also called: Hereditary Cancer Syndrome; Hereditary neoplastic syndrome; Neoplastic Syndromes, Hereditary; Tumor predisposition. Identifiers: Orphanet 140162, MedGen C0027672, MeSH D009386, MONDO:0015356.
Hereditary breast ovarian cancer syndrome. Also called: BRCA1- and BRCA2-Associated Hereditary Breast and Ovarian Cancer; Hereditary breast and ovarian cancer syndrome; Hereditary breast and ovarian cancer syndrome (HBOC); Breast and ovarian cancer; Hereditary breast and/or ovarian cancer syndrome; Hereditary breast and ovarian cancer. Identifiers: Orphanet 145, MedGen C0677776, MeSH D061325, MONDO:0003582. Disease mechanism: loss of function.

Submissions (9):

Ambry Genetics
Classification: Likely pathogenic for Hereditary cancer-predisposing syndrome. Last evaluated: 2025-12-11. Review status: criteria provided, single submitter. Criteria: Ambry Variant Classification Scheme 2023. Collection method: clinical testing. Allele origin: germline.
Comment: The c.5213_5215delGAG variant (also known as p.G1738del) is located in coding exon 18 of the BRCA1 gene. This variant results from an in-frame GAG deletion at nucleotide positions 5213 to 5215. This results in the in-frame deletion of a glycine at codon 1738. Two missense alterations impacting this codon, p.G1738E and p.G1738R, have been reported as likely pathogenic and pathogenic, respectively (Easton D et al. Am J Hum Genet. 2007;81:873-883; Vallee M et al. Hum Mutat. 2012 Jan;33(1):22-8; Findlay, GM et al. Nature 2018 Oct;562(7726):217-222). A phenotype and family history weighing algorithm demonstrated this alteration is pathogenic (Personal communication). A transcriptional activation assay determined that this alteration results in impaired function (Nepomuceno TC et al. Sci Rep 2022 Sep;12(1):16203). This variant is considered to be rare based on population cohorts in the Genome Aggregation Database (gnomAD). This amino acid position is highly conserved in available vertebrate species. Based on the majority of available evidence to date, this variant is likely to be pathogenic.

Labcorp Genetics (formerly Invitae), Labcorp
Classification: Pathogenic for Hereditary breast ovarian cancer syndrome. Last evaluated: 2025-08-18. Review status: criteria provided, single submitter. Criteria: Invitae Variant Classification Sherloc (09022015). Collection method: clinical testing. Allele origin: germline.
Comment: This variant, c.5213_5215del, results in the deletion of 1 amino acid(s) of the BRCA1 protein (p.Gly1738del), but otherwise preserves the integrity of the reading frame. This variant is not present in population databases (gnomAD no frequency). This variant has been observed in individual(s) with hereditary breast and ovarian cancer (PMID: 21203900). ClinVar contains an entry for this variant (Variation ID: 55463). Experimental studies and prediction algorithms are not available or were not evaluated, and the functional significance of this variant is currently unknown. This variant disrupts a region of the BRCA1 protein in which other variant(s) (p.Gly1738Arg) have been determined to be pathogenic (PMID: 15353005, 16489001, 17305420, 17308087, 17453335, 17902052, 18036263, 20516115, 23536787, 24010542). This suggests that this is a clinically significant region of the protein, and that variants that disrupt it are likely to be disease-causing. For these reasons, this variant has been classified as Pathogenic.

KCCC/NGS Laboratory, Kuwait Cancer Control Center
Classification: Pathogenic for Breast-ovarian cancer, familial, susceptibility to, 1. Last evaluated: 2025-07-07. Review status: criteria provided, single submitter. Criteria: ACMG Guidelines, 2015. Collection method: clinical testing. Allele origin: germline. Inheritance: Autosomal dominant inheritance. Affected: yes. Observed: 1 heterozygote.

Women's Health and Genetics/Laboratory Corporation of America, LabCorp
Classification: Pathogenic for Hereditary breast ovarian cancer syndrome. Last evaluated: 2024-06-27. Review status: criteria provided, single submitter. Criteria: LabCorp Variant Classification Summary - May 2015. Collection method: clinical testing. Allele origin: germline.
Comment: Variant summary: BRCA1 c.5213_5215delGAG (p.Gly1738del) results in an in-frame deletion that is predicted to remove 1 amino acid from the encoded protein. The variant was absent in 251492 control chromosomes. c.5213_5215delGAG has been reported in the literature in multiple individuals affected with clinical features of Hereditary Breast And Ovarian Cancer Syndrome (example, Judkins_2005, Konecny_2011, NO_PMID), including 1 family reported internally. These report(s) do not provide unequivocal conclusions about association of the variant with Hereditary Breast And Ovarian Cancer Syndrome. A different variant affecting the same codon has been classified as pathogenic by our lab (c.5212G>A, p.Gly1738Arg), supporting the critical relevance of codon 1738 to BRCA1 protein function. At least one publication reports experimental evidence evaluating an impact on protein function. This variant was expressed in a HEK293FT cell line and showed a <1% transcriptional activity in a luciferase assay, correlating with a severe decrease in detectable BRCA1 protein (example, Nepomuceno_2022). The following publications have been ascertained in the context of this evaluation (PMID: 16267036, 21203900, 36171434, NO_PMID). ClinVar contains an entry for this variant (Variation ID: 55463). Based on the evidence outlined above, the variant was classified as pathogenic.

PreventionGenetics, part of Exact Sciences
Classification: Pathogenic. Last evaluated: 2024-04-15. Review status: criteria provided, single submitter. Criteria: ACMG Guidelines, 2015. Collection method: clinical testing. Allele origin: germline.
Comment: This variant results in the in-frame deletion of a glycine at codon 1738. It has been reported in two families with hereditary breast ovarian cancer (Konecny et al. 2011. PubMed ID: 21203900). In a functional study, this variant had greatly reduced transcription activity and lower protein expression compared to wildtype (Nepomuceno et al. 2022. PubMed ID: 36171434). Two missense alterations impacting this codon, p.G1738E and p.G1738R, have also been reported as likely pathogenic and pathogenic (Easton et al. 2007. PubMed ID: 17924331; Findlay et al. 2018. PubMed ID: 30209399). This variant has not been reported in a large population database, indicating this variant is rare. There are conflicting interpretations ranging from pathogenic to uncertain significance in ClinVar. This variant is interpreted as pathogenic.

GeneDx
Classification: Likely pathogenic. Last evaluated: 2023-08-24. Review status: criteria provided, single submitter. Criteria: GeneDx Variant Classification Process June 2021. Collection method: clinical testing. Allele origin: germline. Affected: yes.
Comment: Published in vitro functional studies demonstrate loss of transcriptional activity (Nepomuceno et al., 2022); Observed in an individual with a personal and family history consistent with pathogenic variants in this gene (Flaum et al., 2022); In-frame deletion of 1 amino acid in a non-repeat region; Not observed in large population cohorts (gnomAD); In silico analysis supports a deleterious effect on protein structure/function; Also known as 5332_5334del; This variant is associated with the following publications: (PMID: 16267036, 15235020, 21203900, 19941162, 31131967, 18036263, 16280041, 17308087, 17924331, 24010542, 30209399, 15353005, 16489001, 17305420, 17902052, 17453335, 20516115, 23536787, 10220405, 24389207, 10196224, 9738006, 9811458, 9974970, 11301010, 31853058, 36169650, 36171434)

Quest Diagnostics Nichols Institute San Juan Capistrano
Classification: Likely pathogenic. Last evaluated: 2023-07-27. Review status: criteria provided, single submitter. Criteria: Quest Diagnostics criteria. Collection method: clinical testing. Allele origin: unknown.
Comment: The BRCA1 c.5213_5215del (p.Gly1738del) variant has been reported in the published literature in individuals and families with hereditary breast and/or ovarian cancer (PMID: 16267036 (2005), 21203900 (2011), 36169650 (2022)). In addition, a transcriptional activation assay reported this variant has a damaging on protein function (PMID: 36171434 (2022)). This variant has not been reported in large, multi-ethnic general populations (Genome Aggregation Database). Based on the available information, this variant is classified as likely pathogenic.

Genesis Genomics
Classification: Likely pathogenic for Breast-ovarian cancer, familial, susceptibility to, 1. Review status: criteria provided, single submitter. Criteria: ACMG Guidelines, 2015. Collection method: clinical testing. Allele origin: germline. Affected: yes. Observed: 1 variant allele.

Breast Cancer Information Core (BIC) (BRCA1)
Classification: Uncertain significance for Breast-ovarian cancer, familial 1. Last evaluated: 2002-05-29. Review status: flagged submission. Collection method: clinical testing. Allele origin: germline. Affected: yes. Observed: 3 variant alleles. Not counted in ClinVar's aggregate classification.
ClinVar note: Reason: Older claim that does not account for recent evidence

Literature cited by the submitters: PubMed 15235020 (cited by Ambry Genetics and Quest Diagnostics Nichols Institute San Juan Capistrano); PubMed 17924331 (cited by Ambry Genetics); PubMed 21203900 (cited by 4 submitters); PubMed 30209399 (cited by Ambry Genetics); PubMed 36169650 (cited by Ambry Genetics and Quest Diagnostics Nichols Institute San Juan Capistrano); PubMed 15353005 (cited by Labcorp Genetics (formerly Invitae), Labcorp); PubMed 16489001 (cited by Labcorp Genetics (formerly Invitae), Labcorp); PubMed 17305420 (cited by Labcorp Genetics (formerly Invitae), Labcorp); PubMed 17308087 (cited by Labcorp Genetics (formerly Invitae), Labcorp); PubMed 17453335 (cited by Labcorp Genetics (formerly Invitae), Labcorp); PubMed 17902052 (cited by Labcorp Genetics (formerly Invitae), Labcorp); PubMed 18036263 (cited by Labcorp Genetics (formerly Invitae), Labcorp); PubMed 20516115 (cited by Labcorp Genetics (formerly Invitae), Labcorp); PubMed 23536787 (cited by Labcorp Genetics (formerly Invitae), Labcorp); PubMed 24010542 (cited by Labcorp Genetics (formerly Invitae), Labcorp); PubMed 16267036 (cited by Women's Health and Genetics/Laboratory Corporation of America, LabCorp and Quest Diagnostics Nichols Institute San Juan Capistrano); PubMed 36171434 (cited by Women's Health and Genetics/Laboratory Corporation of America, LabCorp and Quest Diagnostics Nichols Institute San Juan Capistrano).

NM_007294.4(BRCA1):c.5210GAG[1] (p.Gly1738del)

Gene: BRCA1 (BRCA1 DNA repair associated; minus strand). Cytogenetic location: 17q21.31.
Variant type: Microsatellite.
Coding change: c.5210GAG[1] on transcript NM_007294.4 (MANE Select); one copy of the 3-base unit GAG starting at c.5210; the reference has two copies in a row; one copy, 3 bases deleted; also written c.5213_5215del.
Protein change: p.Gly1738del; deletes glycine 1738.
Molecular consequence: inframe deletion. On other transcripts: inframe indel (368), non-coding transcript variant (1).
Genome position (GRCh38, 1-based): chr17:43,057,114-43,057,116, CTC deleted on the plus strand (GAG on the coding strand, the reverse complement: BRCA1 is on the minus strand); deleting any 3 consecutive bases within chr17:43,057,114-43,057,119 gives the same sequence; the position shown is the placement nearest the transcript's 3' end. VCF-style (leftmost placement, unchanged base first): chr17-43057113-TCTC-T. GRCh37 (hg19) VCF-style: chr17-41209130-TCTC-T.
Other names: c.5275_5277del (NM_007300.3); c.5213_5215delGAG (NM_007294.3); c.5213_5215del (NM_007294.3, NM_007294.4); c.2606_2608GAG[1], p.Gly870del (NM_001407968.1); c.2603_2605GAG[1], p.Gly869del (NM_001407969.1); c.1967_1969GAG[1], p.Gly657del (NM_001407970.1, NM_001407971.1); c.1964_1966GAG[1], p.Gly656del (NM_001407972.1); c.1901_1903GAG[1], p.Gly635del (NM_001407973.1, NM_001407974.1, NM_001407975.1 and 3 more transcripts); and 78 more; short protein forms G1738del, G634del, G1691del, G1759del, G522del, G546del, G547del, G563del.
Identifiers: ClinVar variation 55463 (VCV000055463.26), dbSNP rs80358347, ClinGen allele CA003364.